The following is an entry in ClinVar:

ClinVar aggregate classification (germline): Uncertain significance (1 of 4 stars; one submission).

Conditions:
Early-infantile DEE. Also called: Ohtahara syndrome; Early infantile epileptic encephalopathy with suppression bursts; Early infantile epileptic encephalopathy. Identifiers: Orphanet 1934, MedGen C0393706, MONDO:0800491.

Submission:

Labcorp Genetics (formerly Invitae), Labcorp
Classification: Uncertain significance for Early-infantile DEE. Last evaluated: 2022-08-21. Review status: criteria provided, single submitter. Criteria: Invitae Variant Classification Sherloc (09022015). Collection method: clinical testing. Allele origin: germline.
Comment: This variant has been observed in at least one individual who was not affected with HCN1-related conditions (Invitae). Experimental studies and prediction algorithms are not available or were not evaluated, and the functional significance of this variant is currently unknown. ClinVar contains an entry for this variant (Variation ID: 1042388). This variant has not been reported in the literature in individuals affected with HCN1-related conditions. The frequency data for this variant in the population databases is considered unreliable, as metrics indicate poor data quality at this position in the gnomAD database. This variant, c.201_218del, results in the deletion of 6 amino acid(s) of the HCN1 protein (p.Gly69_Gly74del), but otherwise preserves the integrity of the reading frame. In summary, the available evidence is currently insufficient to determine the role of this variant in disease. Therefore, it has been classified as a Variant of Uncertain Significance.

NM_021072.4(HCN1):c.201_218del (p.Gly69_Gly74del)

Gene: HCN1 (hyperpolarization activated cyclic nucleotide gated potassium channel 1; minus strand). Cytogenetic location: 5p12.
Variant type: Deletion.
Coding change: c.201_218del on transcript NM_021072.4 (MANE Select); coding-DNA positions 201 to 218, 18 bases deleted (TGGCGGCGGCGGCGGCGG).
Protein change: p.Gly69_Gly74del.
Molecular consequence: inframe deletion.
Genome position (GRCh38, 1-based): chr5:45,695,876-45,695,893, CCGCCGCCGCCGCCGCCA deleted on the plus strand (TGGCGGCGGCGGCGGCGG on the coding strand, the reverse complement: HCN1 is on the minus strand); deleting any 18 consecutive bases within chr5:45,695,876-45,695,901 gives the same sequence; the c. name uses the placement nearest the transcript's 3' end. VCF-style (leftmost placement, unchanged base first): chr5-45695875-GCCGCCGCCGCCGCCGCCA-G. GRCh37 (hg19) VCF-style: chr5-45695977-GCCGCCGCCGCCGCCGCCA-G.
Identifiers: ClinVar variation 1042388 (VCV001042388.9), dbSNP rs774065762, ClinGen allele CA3259503.
Genomic context (GRCh38, chr5:45,695,875, plus strand): 5'-GAAGCCGTACTGCCGCCGGGGCCCCTCGGCGTCTTCGAAGCCCCCCGCCGGCTCCTCGCC[GCCGCCGCCGCCGCCGCCA>G]CCGCCGCCACCGCCGTCCACCTTGAAGCACACGGAGTTGCCGTGCTCCTTCGCGCCGGCC-3'